The following is an entry in ClinVar:

NM_001348323.3(TRIP12):c.6016A>G (p.Ser2006Gly)

Gene: TRIP12 (thyroid hormone receptor interactor 12; minus strand). Cytogenetic location: 2q36.3.
Variant type: single nucleotide variant.
Coding change: c.6016A>G on transcript NM_001348323.3 (MANE Select); coding-DNA position 6016, A replaced by G.
Protein change: p.Ser2006Gly; replaces serine 2006 with glycine.
Molecular consequence: missense variant.
Genome position (GRCh38, 1-based): chr2:229,767,742, T>C on the plus strand (A>G on the coding strand, the complement: TRIP12 is on the minus strand). VCF-style: chr2-229767742-T-C. GRCh37 (hg19) VCF-style: chr2-230632458-T-C.
Other names: c.5935A>G, p.Ser1979Gly (NM_001284214.2, NM_001348315.2); c.5890A>G, p.Ser1964Gly (NM_001284215.2, NM_001348316.2); c.4981A>G, p.Ser1661Gly (NM_001284216.2); c.5875A>G, p.Ser1959Gly (NM_001348317.1, NM_001348318.2); c.6001A>G, p.Ser2001Gly (NM_001348319.1, NM_001348320.2); c.6004A>G, p.Ser2002Gly (NM_001348321.1); c.6016A>G, p.Ser2006Gly (NM_001348322.1, NM_001348324.2, NM_001348325.2 and 2 more transcripts); c.6019A>G, p.Ser2007Gly (NM_001348328.1, NM_001348329.2, NM_001348330.2); and 4 more; short protein forms S1661G, S1931G, S1932G, S1959G, S1964G, S1972G, S1979G, S1980G.
Identifiers: ClinVar variation 2662454 (VCV002662454.2), dbSNP rs2469692015, ClinGen allele CA350882975.

ClinVar aggregate classification (germline): Uncertain significance (1 of 4 stars; one submission).

Submission:

GeneDx
Classification: Uncertain significance. Last evaluated: 2025-10-13. Review status: criteria provided, single submitter. Criteria: GeneDx Variant Classification Process June 2021. Collection method: clinical testing. Allele origin: germline.
Comment: Not observed at significant frequency in large population cohorts (gnomAD); In silico analysis supports that this missense variant has a deleterious effect on protein structure/function; Has not been previously published as pathogenic or benign to our knowledge